The following is an entry in ClinVar:

ClinVar aggregate classification (germline): Benign. Review status: criteria provided, multiple submitters, no conflicts (2 of 4 stars). 3 submissions from 2 submitters: Benign (3). Last evaluated 2018-01-12.

Conditions:
Sacral defect with anterior meningocele. Identifiers: MedGen C1838568, OMIM 600145.
Neural tube defect (NTD). Also called: Neural tube defects. Identifiers: Orphanet 3388, Orphanet 823, MedGen C0027794, MONDO:0018075, HP:0045005.

Allele frequency attached by ClinVar (database versions not stated): gnomAD 0.31126 and 0.31287; TOPMed 0.31941; 1000 Genomes Project 30x 0.33729; 1000 Genomes Project 0.33766.
gnomAD v4.1: 47,711 of 152,098 alleles (31%); highest among the groups gnomAD compares: Admixed American, 38%; 7,609 homozygotes.

Submissions (3):

Illumina Laboratory Services, Illumina
Classification: Benign for Sacral defect with anterior meningocele. Last evaluated: 2018-01-12. Review status: criteria provided, single submitter. Criteria: ICSL Variant Classification Criteria 13 December 2019. Collection method: clinical testing. Allele origin: germline.
Comment: This variant was observed in the ICSL laboratory as part of a predisposition screen in an ostensibly healthy population. It had not been previously curated by ICSL or reported in the Human Gene Mutation Database (HGMD: prior to June 1st, 2018), and was therefore a candidate for classification through an automated scoring system. Utilizing variant allele frequency, disease prevalence and penetrance estimates, and inheritance mode, an automated score was calculated to assess if this variant is too frequent to cause the disease. Based on the score and internal cut-off values, a variant classified as benign is not then subjected to further curation. The score for this variant resulted in a classification of benign for this disease.

Illumina Laboratory Services, Illumina
Classification: Benign for Neural tube defects, susceptibility to. Last evaluated: 2018-01-12. Review status: criteria provided, single submitter. Criteria: ICSL Variant Classification Criteria 13 December 2019. Collection method: clinical testing. Allele origin: germline.
Comment: the same text as in the submission from Illumina Laboratory Services, Illumina above.

Breakthrough Genomics
Classification: Benign. Review status: criteria provided, single submitter. Criteria: ACMG Guidelines, 2015. Collection method: not provided. Allele origin: germline. Inheritance: Autosomal dominant inheritance. Affected: yes.

NM_138959.3(VANGL1):c.*3496T>A

Gene: VANGL1 (VANGL planar cell polarity protein 1; plus strand). Cytogenetic location: 1p13.1.
Variant type: single nucleotide variant.
Coding change: c.*3496T>A on transcript NM_138959.3 (MANE Select); 3496 bases downstream of the stop codon, T replaced by A.
Molecular consequence: 3 prime UTR variant.
Genome position (GRCh38, 1-based): chr1:115,694,875, T>A. VCF-style: chr1-115694875-T-A. GRCh37 (hg19) VCF-style: chr1-116237496-T-A.
Other names: c.*3496T>A (NM_001172411.2, NM_001172412.2).
Identifiers: ClinVar variation 292067 (VCV000292067.6), dbSNP rs4839472, ClinGen allele CA10607679.
Genomic context (GRCh38, chr1:115,694,875, plus strand): 5'-TCAGACATCTTAACATCTGTGTTATCTGTAGCAGGTGTGTAGCTCAGCAGATACGTGTCA[T>A]TGTGTATATAGCTGAGTGTGTGAGGGTGTCTGTGTTTCTGCAGTCCCCTGTGTTTGAGAG-3'